The following is an entry in ClinVar:

NM_182914.3(SYNE2):c.7898A>G (p.Asn2633Ser)

Gene: SYNE2 (spectrin repeat containing nuclear envelope protein 2; plus strand). Cytogenetic location: 14q23.2.
Variant type: single nucleotide variant.
Coding change: c.7898A>G on transcript NM_182914.3 (MANE Select); coding-DNA position 7898, A replaced by G.
Protein change: p.Asn2633Ser; replaces asparagine 2633 with serine.
Molecular consequence: missense variant.
Genome position (GRCh38, 1-based): chr14:64,051,811, A>G. VCF-style: chr14-64051811-A-G. GRCh37 (hg19) VCF-style: chr14-64518529-A-G.
Other names: c.7898A>G, p.Asn2633Ser (NM_015180.6); short protein forms N2633S.
Identifiers: ClinVar variation 183364 (VCV000183364.24), dbSNP rs190582637, ClinGen allele CA346809.

ClinVar aggregate classification (germline): Benign. Review status: criteria provided, multiple submitters, no conflicts (2 of 4 stars). 6 submissions from 6 submitters: Benign (6). Last evaluated 2026-01-07.

Conditions:
SYNE2-related disorder. Also called: SYNE2-related condition.
Emery-Dreifuss muscular dystrophy 5, autosomal dominant (EDMD5). Also called: EMERY-DREIFUSS MUSCULAR DYSTROPHY 5. Identifiers: Orphanet 261, MedGen C2751805, MONDO:0013072, OMIM 612999.

Allele frequency attached by ClinVar (database versions not stated): gnomAD 0.00157 and 0.00194; ESP Exome Variant Server 0.00173; TOPMed 0.00184; gnomAD exomes 0.00250 and 0.00363; 1000 Genomes Project 30x 0.00328; 1000 Genomes Project 0.00339; ExAC 0.00366.
gnomAD v4.1: 4,038 of 1,614,160 alleles (0.25%); highest among the groups gnomAD compares: South Asian, 1.6%; 47 homozygotes.

Submissions (7):

Labcorp Genetics (formerly Invitae), Labcorp
Classification: Benign for Emery-Dreifuss muscular dystrophy 5, autosomal dominant. Last evaluated: 2026-01-07. Review status: criteria provided, single submitter. Criteria: Invitae Variant Classification Sherloc (09022015). Collection method: clinical testing. Allele origin: germline.

PreventionGenetics, part of Exact Sciences
Classification: Benign for SYNE2-related condition. Last evaluated: 2025-11-21. Review status: criteria provided, single submitter. Criteria: ACMG Guidelines, 2015. Collection method: clinical testing. Allele origin: germline.
Comment: This variant is classified as benign based on ACMG/AMP sequence variant interpretation guidelines (Richards et al. 2015 PMID: 25741868, with internal and published modifications).

Athena Diagnostics
Classification: Benign. Last evaluated: 2024-11-27. Review status: criteria provided, single submitter. Criteria: Athena Diagnostics Criteria. Collection method: clinical testing. Allele origin: unknown.

Illumina Laboratory Services, Illumina
Classification: Benign for Emery-Dreifuss muscular dystrophy 5, autosomal dominant. Last evaluated: 2018-01-12. Review status: criteria provided, single submitter. Criteria: ICSL Variant Classification Criteria 13 December 2019. Collection method: clinical testing. Allele origin: germline.
Comment: This variant was observed in the ICSL laboratory as part of a predisposition screen in an ostensibly healthy population. It had not been previously curated by ICSL or reported in the Human Gene Mutation Database (HGMD: prior to June 1st, 2018), and was therefore a candidate for classification through an automated scoring system. Utilizing variant allele frequency, disease prevalence and penetrance estimates, and inheritance mode, an automated score was calculated to assess if this variant is too frequent to cause the disease. Based on the score and internal cut-off values, a variant classified as benign is not then subjected to further curation. The score for this variant resulted in a classification of benign for this disease.

Eurofins Ntd Llc (ga)
Classification: Benign. Last evaluated: 2015-08-07. Review status: criteria provided, single submitter. Criteria: EGL Classification Definitions 2015. Collection method: clinical testing. Allele origin: germline. Observed: 1 variant allele, 1 heterozygote.

Breakthrough Genomics
Classification: Benign. Review status: criteria provided, single submitter. Criteria: ACMG Guidelines, 2015. Collection method: not provided. Allele origin: germline. Inheritance: Autosomal dominant inheritance. Affected: yes.

Dr. Peter K. Rogan Lab, Western University
No classification provided (evidence only). Condition: Acute myeloid leukemia. Review status: no classification provided. Collection method: in vitro. Allele origin: not applicable. Functional consequence: retained intron. Not counted in ClinVar's aggregate classification.